The following is an entry in ClinVar:

NM_032806.6(POMGNT2):c.1514C>G (p.Ser505Cys)

Gene: POMGNT2 (protein O-linked mannose N-acetylglucosaminyltransferase 2 (beta 1,4-); minus strand). Cytogenetic location: 3p22.1.
Variant type: single nucleotide variant.
Coding change: c.1514C>G on transcript NM_032806.6 (MANE Select); coding-DNA position 1514, C replaced by G.
Protein change: p.Ser505Cys; replaces serine 505 with cysteine.
Molecular consequence: missense variant.
Genome position (GRCh38, 1-based): chr3:43,079,918, G>C on the plus strand (C>G on the coding strand, the complement: POMGNT2 is on the minus strand). VCF-style: chr3-43079918-G-C. GRCh37 (hg19) VCF-style: chr3-43121410-G-C.
Other names: c.1514C>G (NM_032806.4); short protein forms S505C.
Identifiers: ClinVar variation 579783 (VCV000579783.31), dbSNP rs144799574, ClinGen allele CA2339828.

ClinVar aggregate classification (germline): Uncertain significance. Review status: criteria provided, multiple submitters, no conflicts (2 of 4 stars). 4 submissions from 4 submitters: Uncertain significance (4). Last evaluated 2026-07-01.

Conditions:
Inborn genetic diseases. Identifiers: MedGen C0950123, MeSH D030342.
Muscular dystrophy-dystroglycanopathy (congenital with brain and eye anomalies), type a, 8 (MDDGA8). Also called: WALKER-WARBURG SYNDROME OR MUSCLE-EYE-BRAIN DISEASE, GTDC2-RELATED. Identifiers: Orphanet 899, MedGen C3553813, MONDO:0013904, OMIM 614830.

Allele frequency attached by ClinVar (database versions not stated): gnomAD 0.00003; TOPMed 0.00006; ESP Exome Variant Server 0.00008; 1000 Genomes Project 30x 0.00016; 1000 Genomes Project 0.00020.

Submissions (4):

CeGaT Center for Human Genetics Tuebingen
Classification: Uncertain significance. Last evaluated: 2026-07-01. Review status: criteria provided, single submitter. Criteria: CeGaT Center For Human Genetics Tuebingen Variant Classification Criteria Version 2. Collection method: clinical testing. Allele origin: germline. Affected: yes. Observed: 3 variant alleles.

Labcorp Genetics (formerly Invitae), Labcorp
Classification: Uncertain significance for Muscular dystrophy-dystroglycanopathy (congenital with brain and eye anomalies), type a, 8. Last evaluated: 2025-12-25. Review status: criteria provided, single submitter. Criteria: Invitae Variant Classification Sherloc (09022015). Collection method: clinical testing. Allele origin: germline.
Comment: This sequence change replaces serine, which is neutral and polar, with cysteine, which is neutral and slightly polar, at codon 505 of the POMGNT2 protein (p.Ser505Cys). This variant is present in population databases (rs144799574, gnomAD 0.01%). This variant has not been reported in the literature in individuals affected with POMGNT2-related conditions. ClinVar contains an entry for this variant (Variation ID: 579783). Invitae Evidence Modeling of protein sequence and biophysical properties (such as structural, functional, and spatial information, amino acid conservation, physicochemical variation, residue mobility, and thermodynamic stability) indicates that this missense variant is not expected to disrupt POMGNT2 protein function with a negative predictive value of 80%. In summary, the available evidence is currently insufficient to determine the role of this variant in disease. Therefore, it has been classified as a Variant of Uncertain Significance.

Ambry Genetics
Classification: Uncertain significance for Inborn genetic diseases. Last evaluated: 2025-12-16. Review status: criteria provided, single submitter. Criteria: Ambry Variant Classification Scheme 2023. Collection method: clinical testing. Allele origin: germline.

Revvity Omics, Revvity
Classification: Uncertain significance. Last evaluated: 2023-11-22. Review status: criteria provided, single submitter. Criteria: ACMG Guidelines, 2015. Collection method: clinical testing. Allele origin: germline.